The following is an entry in ClinVar:

ClinVar aggregate classification (germline): Conflicting classifications of pathogenicity. Review status: criteria provided, conflicting classifications (1 of 4 stars). 5 submissions from 5 submitters: Uncertain significance (4); Likely benign (1). Last evaluated 2023-03-27.

Conditions:
Neurodevelopmental disorder with or without anomalies of the brain, eye, or heart (NEDBEH). Identifiers: Orphanet 494344, MedGen C5567477, MONDO:0014857, OMIM 616975.
Inborn genetic diseases. Identifiers: MedGen C0950123, MeSH D030342.

Allele frequency attached by ClinVar (database versions not stated): gnomAD 0.00001; TOPMed 0.00001; gnomAD exomes 0.00002.
gnomAD v4.1: 36 of 1,602,204 alleles (0.0022%); highest among the groups gnomAD compares: Middle Eastern, 0.45%; no homozygotes.

Submissions (5):

Ambry Genetics
Classification: Uncertain significance for Inborn genetic diseases. Last evaluated: 2023-03-27. Review status: criteria provided, single submitter. Criteria: Ambry Variant Classification Scheme 2023. Collection method: clinical testing. Allele origin: germline.

Labcorp Genetics (formerly Invitae), Labcorp
Classification: Likely benign. Last evaluated: 2022-11-22. Review status: criteria provided, single submitter. Criteria: Invitae Variant Classification Sherloc (09022015). Collection method: clinical testing. Allele origin: germline.

Revvity Omics, Revvity
Classification: Uncertain significance for Neurodevelopmental disorder with or without anomalies of the brain, eye, or heart. Last evaluated: 2020-12-08. Review status: criteria provided, single submitter. Criteria: ACMG Guidelines, 2015. Collection method: clinical testing. Allele origin: germline.

Baylor Genetics
Classification: Uncertain significance for Neurodevelopmental disorder with or without anomalies of the brain, eye, or heart. Last evaluated: 2019-08-06. Review status: criteria provided, single submitter. Criteria: ACMG Guidelines, 2015. Collection method: clinical testing. Allele origin: unknown. Affected: yes.
Comment: This variant was determined to be of uncertain significance according to ACMG Guidelines, 2015 [PMID:25741868].

Breakthrough Genomics
Classification: Uncertain significance. Review status: criteria provided, single submitter. Criteria: ACMG Guidelines, 2015. Collection method: not provided. Allele origin: germline. Inheritance: Autosomal dominant inheritance. Affected: yes.

NM_001042681.2(RERE):c.3999G>C (p.Glu1333Asp)

Gene: RERE (arginine-glutamic acid dipeptide repeats; minus strand). Cytogenetic location: 1p36.23.
Variant type: single nucleotide variant.
Coding change: c.3999G>C on transcript NM_001042681.2 (MANE Select); coding-DNA position 3999, G replaced by C.
Protein change: p.Glu1333Asp; replaces glutamic acid 1333 with aspartic acid.
Molecular consequence: missense variant.
Genome position (GRCh38, 1-based): chr1:8,358,536, C>G on the plus strand (G>C on the coding strand, the complement: RERE is on the minus strand). VCF-style: chr1-8358536-C-G. GRCh37 (hg19) VCF-style: chr1-8418596-C-G.
Other names: c.2337G>C, p.Glu779Asp (NM_001042682.2); c.3999G>C, p.Glu1333Asp (NM_012102.4); short protein forms E779D, E1333D.
Identifiers: ClinVar variation 1031184 (VCV001031184.11), dbSNP rs868002362, ClinGen allele CA17691015.
Genomic context (GRCh38, chr1:8,358,536, plus strand): 5'-GAGGGCGCTGTGCCGGGCAAAGTGCTCCATGGGGTTGGCGGCTGGGTGCAGGGGGTCCAG[C>G]TCTGGGGGCTTCACCTCGAAGCCCGGCTTCATCCTCTCCCGCAGCTCCCGCTCTCGGATC-3'
Protein context (NP_001036146.1, residues 1323-1343): MKPGFEVKPP[Glu1333Asp]LDPLHPAANP